The following is an entry in ClinVar:

ClinVar aggregate classification (germline): Uncertain significance. Review status: criteria provided, multiple submitters, no conflicts (2 of 4 stars). 2 submissions from 2 submitters: Uncertain significance (2). Last evaluated 2022-09-17.

Conditions:
Muscular dystrophy-dystroglycanopathy (congenital with brain and eye anomalies), type a, 12 (MDDGA12). Also called: WALKER-WARBURG SYNDROME OR MUSCLE-EYE-BRAIN DISEASE, POMK-RELATED. Identifiers: Orphanet 899, MedGen C3808964, MONDO:0014101, OMIM 615249.
Limb-girdle muscular dystrophy due to POMK deficiency. Also called: MUSCULAR DYSTROPHY-DYSTROGLYCANOPATHY, LIMB-GIRDLE, POMK-RELATED; Muscular dystrophy-dystroglycanopathy (limb-girdle), type c, 12. Identifiers: Orphanet 445110, MedGen C4015184, MONDO:0014489, OMIM 616094.

Submissions (2):

Labcorp Genetics (formerly Invitae), Labcorp
Classification: Uncertain significance for Muscular dystrophy-dystroglycanopathy (congenital with brain and eye anomalies), type a, 12; Limb-girdle muscular dystrophy due to POMK deficiency. Last evaluated: 2022-09-17. Review status: criteria provided, single submitter. Criteria: Invitae Variant Classification Sherloc (09022015). Collection method: clinical testing. Allele origin: germline.
Comment: In summary, the available evidence is currently insufficient to determine the role of this variant in disease. Therefore, it has been classified as a Variant of Uncertain Significance. Advanced modeling of protein sequence and biophysical properties (such as structural, functional, and spatial information, amino acid conservation, physicochemical variation, residue mobility, and thermodynamic stability) performed at Invitae indicates that this missense variant is not expected to disrupt POMK protein function. ClinVar contains an entry for this variant (Variation ID: 547037). This variant has not been reported in the literature in individuals affected with POMK-related conditions. This variant is not present in population databases (gnomAD no frequency). This sequence change replaces threonine, which is neutral and polar, with lysine, which is basic and polar, at codon 136 of the POMK protein (p.Thr136Lys).

CeGaT Center for Human Genetics Tuebingen
Classification: Uncertain significance. Last evaluated: 2018-01-01. Review status: criteria provided, single submitter. Criteria: CeGaT Center For Human Genetics Tuebingen Variant Classification Criteria Version 2. Collection method: clinical testing. Allele origin: germline. Affected: yes. Observed: 1 variant allele.

NM_032237.5(POMK):c.407C>A (p.Thr136Lys)

Gene: POMK (protein O-mannose kinase; plus strand). Cytogenetic location: 8p11.21.
Variant type: single nucleotide variant.
Coding change: c.407C>A on transcript NM_032237.5 (MANE Select); coding-DNA position 407, C replaced by A.
Protein change: p.Thr136Lys; replaces threonine 136 with lysine.
Molecular consequence: missense variant.
Genome position (GRCh38, 1-based): chr8:43,122,231, C>A. VCF-style: chr8-43122231-C-A. GRCh37 (hg19) VCF-style: chr8-42977374-C-A.
Other names: c.407C>A, p.Thr136Lys (NM_001277971.2); short protein forms T136K.
Identifiers: ClinVar variation 547037 (VCV000547037.48), dbSNP rs138216719, ClinGen allele CA371121664.